The following is an entry in ClinVar:

ClinVar aggregate classification (germline): Uncertain significance. Review status: criteria provided, multiple submitters, no conflicts (2 of 4 stars). 4 submissions from 4 submitters: Uncertain significance (4). Last evaluated 2025-05-22.

Conditions:
Cardiovascular phenotype. Identifiers: MedGen CN230736.
Naxos disease (NXD). Also called: KERATOSIS PALMOPLANTARIS WITH ARRHYTHMOGENIC CARDIOMYOPATHY; MAL DE NAXOS; PALMOPLANTAR KERATODERMA WITH ARRHYTHMOGENIC RIGHT VENTRICULAR CARDIOMYOPATHY AND WOOLLY HAIR; WOOLLY HAIR, PALMOPLANTAR KERATODERMA, AND CARDIAC ABNORMALITIES; CARDIOMYOPATHY, ARRHYTHMOGENIC RIGHT VENTRICULAR, WITH SKIN, HAIR, AND NAIL ABNORMALITIES. Identifiers: Orphanet 34217, MedGen C1832600, MONDO:0011017, OMIM 601214.
Arrhythmogenic right ventricular dysplasia 12. Also called: ARRHYTHMOGENIC RIGHT VENTRICULAR DYSPLASIA, FAMILIAL, 12. Identifiers: MedGen C1969081, MONDO:0012684, OMIM 611528.

Allele frequency attached by ClinVar (database versions not stated): gnomAD exomes below 0.00001; gnomAD 0.00001; TOPMed 0.00001.
gnomAD v4.1: 4 of 1,613,560 alleles (0.00025%); highest among the groups gnomAD compares: Non-Finnish European, 0.00034%; no homozygotes.

Submissions (4):

Ambry Genetics
Classification: Uncertain significance for Cardiovascular phenotype. Last evaluated: 2025-05-22. Review status: criteria provided, single submitter. Criteria: Ambry Variant Classification Scheme 2023. Collection method: clinical testing. Allele origin: germline.
Comment: The p.P366L variant (also known as c.1097C>T), located in coding exon 6 of the JUP gene, results from a C to T substitution at nucleotide position 1097. The proline at codon 366 is replaced by leucine, an amino acid with similar properties. This amino acid position is not well conserved in available vertebrate species. In addition, this alteration is predicted to be tolerated by in silico analysis. Based on the available evidence, the clinical significance of this variant remains unclear.

GeneDx
Classification: Uncertain significance. Last evaluated: 2025-01-09. Review status: criteria provided, single submitter. Criteria: GeneDx Variant Classification Process June 2021. Collection method: clinical testing. Allele origin: germline. Affected: yes.
Comment: Has not been previously published as pathogenic or benign to our knowledge; Not observed at significant frequency in large population cohorts (gnomAD); In silico analysis indicates that this missense variant does not alter protein structure/function

Labcorp Genetics (formerly Invitae), Labcorp
Classification: Uncertain significance for Arrhythmogenic right ventricular dysplasia 12; Naxos disease. Last evaluated: 2023-01-17. Review status: criteria provided, single submitter. Criteria: Invitae Variant Classification Sherloc (09022015). Collection method: clinical testing. Allele origin: germline.
Comment: In summary, the available evidence is currently insufficient to determine the role of this variant in disease. Therefore, it has been classified as a Variant of Uncertain Significance. Algorithms developed to predict the effect of missense changes on protein structure and function are either unavailable or do not agree on the potential impact of this missense change (SIFT: "Deleterious"; PolyPhen-2: "Benign"; Align-GVGD: "Class C0"). This variant has not been reported in the literature in individuals affected with JUP-related conditions. This variant is present in population databases (no rsID available, gnomAD 0.007%). This sequence change replaces proline, which is neutral and non-polar, with leucine, which is neutral and non-polar, at codon 366 of the JUP protein (p.Pro366Leu).

Clinical Genetics Laboratory, Skane University Hospital Lund
Classification: Uncertain significance. Last evaluated: 2022-05-27. Review status: criteria provided, single submitter. Criteria: ACMG Guidelines, 2015. Collection method: clinical testing. Allele origin: germline. Affected: yes.

NM_002230.4(JUP):c.1097C>T (p.Pro366Leu)

Gene: JUP (junction plakoglobin; minus strand). Cytogenetic location: 17q21.2.
Variant type: single nucleotide variant.
Coding change: c.1097C>T on transcript NM_002230.4 (MANE Select); coding-DNA position 1097, C replaced by T.
Protein change: p.Pro366Leu; replaces proline 366 with leucine.
Molecular consequence: missense variant.
Genome position (GRCh38, 1-based): chr17:41,764,774, G>A on the plus strand (C>T on the coding strand, the complement: JUP is on the minus strand). VCF-style: chr17-41764774-G-A. GRCh37 (hg19) VCF-style: chr17-39921026-G-A.
Other names: c.1097C>T, p.Pro366Leu (NM_001352773.2, NM_001352774.2, NM_001352775.2 and 3 more transcripts); short protein forms P366L.
Identifiers: ClinVar variation 2931031 (VCV002931031.6), dbSNP rs1159377909, ClinGen allele CA399498905.